The following is an entry in ClinVar:

ClinVar aggregate classification (germline): Likely pathogenic (1 of 4 stars; one submission).

Conditions:
Arrhythmogenic right ventricular dysplasia 10. Also called: Arrhythmogenic Right Ventricular Dysplasia/Cardiomyopathy10; ARRHYTHMOGENIC RIGHT VENTRICULAR DYSPLASIA, FAMILIAL, 10; Arrhythmogenic right ventricular dysplasia/cardiomyopathy, type 10. Identifiers: MedGen C1857777, MONDO:0012434, OMIM 610193.

Submission:

Breda Genetics srl
Classification: Likely pathogenic for Arrhythmogenic right ventricular dysplasia 10. Last evaluated: 2020-10-30. Review status: criteria provided, single submitter. Criteria: ACMG Guidelines, 2015. Collection method: clinical testing. Allele origin: inherited. Inheritance: Autosomal dominant inheritance. Affected: yes. Observed: 1 variant allele, 1 heterozygote.
Comment: The variant c.1015-2A>C in the DSG2 gene affects the acceptor splice site of intron 8 and is therefore highly likely to impact the splicing process by causing the exclusion of the following exons from the mature transcript and the translation of an aberrant protein or a shift in the reading frame. This variant has not been reported in dbSNP, gnomAD, 1000 Genomes, NHLI Exome Sequencing Project (ESP) or ClinVar. According to Human Splicing Finder (HSF 3.0) the variant most probably affects splicing breaking the WT acceptor site but can potentially alter splicing also by activating a new cryptic acceptor splice site.

NM_001943.5(DSG2):c.1015-2A>C

Gene: DSG2 (desmoglein 2; plus strand). Cytogenetic location: 18q12.1.
Variant type: single nucleotide variant.
Coding change: c.1015-2A>C on transcript NM_001943.5 (MANE Select); the canonical splice acceptor site of the intron before coding-DNA position 1015, A replaced by C.
Molecular consequence: splice acceptor variant.
Genome position (GRCh38, 1-based): chr18:31,530,985, A>C. VCF-style: chr18-31530985-A-C. GRCh37 (hg19) VCF-style: chr18-29110948-A-C.
Identifiers: ClinVar variation 1296982 (VCV001296982.1), dbSNP rs2144332473, ClinGen allele CA402137830.
Genomic context (GRCh38, chr18:31,530,985, plus strand): 5'-TATATGTATACATGTCTTCTGTTTTCTCTTTGAAAAGAATTCCCTTTGGTTTTCCCTTTC[A>C]GGAAGTAGATTATGAAGAAATGAAGAATCTTGACTTCAGTGTTATTGTCGCTAATAAAGC-3'